The following is an entry in ClinVar:

ClinVar aggregate classification (germline): Uncertain significance (3 of 4 stars; one submission).

Conditions:
Open-angle glaucoma. Identifiers: MedGen C0017612, MONDO:0005338, HP:0012108.

gnomAD v4.1: 1 of 1,614,126 alleles (0.000062%); no homozygotes.

Submission:

ClinGen Glaucoma Variant Curation Expert Panel
Classification: Uncertain significance for Open-angle glaucoma. Last evaluated: 2025-11-12. Review status: reviewed by expert panel. Criteria: ClinGen Glaucoma ACMG Specifications V2.0.0 Approved. Collection method: curation. Allele origin: germline. Inheritance: Autosomal dominant inheritance.
Comment: The c.976G>A variant in MYOC is a missense variant predicted to cause substitution of Glycine by Serine at amino acid 326 (p.Gly326Ser). The highest minor allele frequency of this variant was in the Remaining genetic ancestry group of gnomAD (v4.1.0) = 0.00001600 (1 allele out of 62,504), which met the ≤ 0.0001 threshold set for PM2_Supporting in a genetic ancestry group of at least 10,000 alleles. The REVEL score = 0.869, which was within the 0.773-0.931 range for PP3_Moderate, predicting a damaging effect on MYOC function. The Gly326Ser protein had similar solubility and secretion levels to wild type myocilin protein in this study (PMID: 36267417). The assay met the OddsPath threshold for BS3_Moderate (< 0.23), indicating that this variant did not impact protein function. 3 segregations in 1 family, with primary open angle glaucoma (POAG), have been reported (PMID: 22879734), which fulfilled PP1 (3-4 meioses). Only 1 proband with POAG had been reported (PMID: 22879734), not meeting the ≥ 2 probands threshold required to meet PS4_Supporting. In summary, this variant met the criteria to receive a score of 2 and to be classified as a variant of uncertain significance (uncertain significance classification range -1 to 5, adapted from PMID: 32720330) for primary open angle glaucoma based on the ACMG/AMP criteria met, as specified by the ClinGen Glaucoma VCEP (v2.0.0, 5 Dec 2024): PP3_Moderate, BS3_Moderate, PP1, PM2_Supporting.

Literature cited by the submitters: PubMed 36267417.

NM_000261.2(MYOC):c.976G>A (p.Gly326Ser)

Gene: MYOC (myocilin; minus strand). Cytogenetic location: 1q24.3.
Variant type: single nucleotide variant.
Coding change: c.976G>A on transcript NM_000261.2 (MANE Select); coding-DNA position 976, G replaced by A.
Protein change: p.Gly326Ser; replaces glycine 326 with serine.
Molecular consequence: missense variant.
Genome position (GRCh38, 1-based): chr1:171,636,464, C>T on the plus strand (G>A on the coding strand, the complement: MYOC is on the minus strand). VCF-style: chr1-171636464-C-T. GRCh37 (hg19) VCF-style: chr1-171605604-C-T.
Other names: NM_000261.2:c.976G>A; short protein forms G326S.
Identifiers: ClinVar variation 2442269 (VCV002442269.2), dbSNP rs1447891498, ClinGen allele CA343725270.